The following is an entry in ClinVar:

NM_153448.4(ESX1):c.1039_1040insGTG (p.Pro347delinsArgAla)

Gene: ESX1 (ESX homeobox 1; minus strand). Cytogenetic location: Xq22.2.
Variant type: Insertion.
Coding change: c.1039_1040insGTG on transcript NM_153448.4 (MANE Select); coding-DNA positions 1039 to 1040, GTG inserted.
Protein change: p.Pro347delinsArgAla.
Molecular consequence: inframe indel.
Genome position: GRCh38 VCF-style: chrX-104250409-G-GCAC. GRCh37 (hg19) VCF-style: chrX-103495090-G-GCAC.
Identifiers: ClinVar variation 4534058 (VCV004534058.6).

ClinVar aggregate classification (germline): Likely benign (1 of 4 stars; one submission).

Submission:

CeGaT Center for Human Genetics Tuebingen
Classification: Likely benign. Last evaluated: 2026-03-01. Review status: criteria provided, single submitter. Criteria: CeGaT Center For Human Genetics Tuebingen Variant Classification Criteria Version 2. Collection method: clinical testing. Allele origin: germline. Affected: yes. Observed: 3 variant alleles.
Comment: ESX1: BP3